The following is an entry in ClinVar:

ClinVar aggregate classification (germline): Conflicting classifications of pathogenicity. Review status: criteria provided, conflicting classifications (1 of 4 stars). 2 submissions from 2 submitters: Uncertain significance (1); Likely benign (1). Last evaluated 2026-07-09.

Conditions:
Hereditary cancer-predisposing syndrome. Also called: Neoplastic Syndromes, Hereditary; Hereditary Cancer Syndrome; Hereditary neoplastic syndrome; Tumor predisposition. Identifiers: Orphanet 140162, MedGen C0027672, MeSH D009386, MONDO:0015356.
Cardiovascular phenotype. Identifiers: MedGen CN230736.
Neurofibromatosis, type 1 (NF1). Also called: VON RECKLINGHAUSEN DISEASE; Neurofibromatosis, type I; Peripheral type neurofibromatosis; NEUROFIBROMATOSIS, TYPE I, SOMATIC. Identifiers: Orphanet 636, MedGen C0027831, MONDO:0018975, OMIM 162200. Disease mechanism: loss of function.

Allele frequency attached by ClinVar (database versions not stated): gnomAD exomes below 0.00001.
gnomAD v4.1: 1 of 1,613,980 alleles (0.000062%); highest among the groups gnomAD compares: East Asian, 0.0022%; no homozygotes.

Submissions (2):

Ambry Genetics
Classification: Likely benign for Cardiovascular phenotype; Hereditary cancer-predisposing syndrome. Last evaluated: 2026-07-09. Review status: criteria provided, single submitter. Criteria: Ambry Variant Classification Scheme 2023. Collection method: clinical testing. Allele origin: germline.

Labcorp Genetics (formerly Invitae), Labcorp
Classification: Uncertain significance for Neurofibromatosis, type 1. Last evaluated: 2024-01-24. Review status: criteria provided, single submitter. Criteria: Invitae Variant Classification Sherloc (09022015). Collection method: clinical testing. Allele origin: germline.
Comment: This sequence change replaces glutamic acid, which is acidic and polar, with glycine, which is neutral and non-polar, at codon 1123 of the NF1 protein (p.Glu1123Gly). This variant is present in population databases (no rsID available, gnomAD 0.006%). This variant has not been reported in the literature in individuals affected with NF1-related conditions. ClinVar contains an entry for this variant (Variation ID: 665327). Advanced modeling of protein sequence and biophysical properties (such as structural, functional, and spatial information, amino acid conservation, physicochemical variation, residue mobility, and thermodynamic stability) has been performed at Invitae for this missense variant, however the output from this modeling did not meet the statistical confidence thresholds required to predict the impact of this variant on NF1 protein function. In summary, the available evidence is currently insufficient to determine the role of this variant in disease. Therefore, it has been classified as a Variant of Uncertain Significance.

NM_001042492.3(NF1):c.3368A>G (p.Glu1123Gly)

Gene: NF1 (neurofibromin 1; plus strand). Cytogenetic location: 17q11.2.
Variant type: single nucleotide variant.
Coding change: c.3368A>G on transcript NM_001042492.3 (MANE Select); coding-DNA position 3368, A replaced by G.
Protein change: p.Glu1123Gly; replaces glutamic acid 1123 with glycine.
Molecular consequence: missense variant.
Genome position (GRCh38, 1-based): chr17:31,232,753, A>G. VCF-style: chr17-31232753-A-G. GRCh37 (hg19) VCF-style: chr17-29559771-A-G.
Other names: c.3368A>G, p.Glu1123Gly (NM_000267.4); short protein forms E1123G.
Identifiers: ClinVar variation 665327 (VCV000665327.9), dbSNP rs1410465727, ClinGen allele CA398989084.